The following is an entry in ClinVar:

ClinVar aggregate classification (germline): Benign/Likely benign. Review status: criteria provided, multiple submitters, no conflicts (2 of 4 stars). 2 submissions from 2 submitters: Benign (1); Likely benign (1). Last evaluated 2019-12-31.

Conditions:
Long QT syndrome (LQTS). Identifiers: MedGen C0023976, MeSH D008133, MONDO:0002442. Disease mechanism: loss of function. Inheritance: Various modes of inheritance.

Allele frequency attached by ClinVar (database versions not stated): 1000 Genomes Project 0.01178; 1000 Genomes Project 30x 0.01265; TOPMed 0.01755; gnomAD 0.01860 and 0.01907.
gnomAD v4.1: 2,893 of 152,244 alleles (1.9%); highest among the groups gnomAD compares: South Asian, 3.5%; 46 homozygotes.

Submissions (2):

Labcorp Genetics (formerly Invitae), Labcorp
Classification: Benign for Long QT syndrome. Last evaluated: 2019-12-31. Review status: criteria provided, single submitter. Criteria: Invitae Variant Classification Sherloc (09022015). Collection method: clinical testing. Allele origin: germline.

GeneDx
Classification: Likely benign. Last evaluated: 2018-06-19. Review status: criteria provided, single submitter. Criteria: GeneDx Variant Classification (06012015). Collection method: clinical testing. Allele origin: germline. Affected: yes.
Comment: This variant is considered likely benign or benign based on one or more of the following criteria: it is a conservative change, it occurs at a poorly conserved position in the protein, it is predicted to be benign by multiple in silico algorithms, and/or has population frequency not consistent with disease.

NM_000719.7(CACNA1C):c.3718-216G>A

Gene: CACNA1C (calcium voltage-gated channel subunit alpha1 C; plus strand). Cytogenetic location: 12p13.33.
Variant type: single nucleotide variant.
Coding change: c.3718-216G>A on transcript NM_000719.7 (MANE Select); 216 bases into the intron before coding-DNA position 3718, G replaced by A.
Molecular consequence: intron variant.
Genome position (GRCh38, 1-based): chr12:2,611,687, G>A. VCF-style: chr12-2611687-G-A. GRCh37 (hg19) VCF-style: chr12-2720853-G-A.
Other names: c.3718-216G>A (NM_001167624.3, NM_001167623.2, NM_001167625.2 and 15 more transcripts); c.3778-216G>A (NM_199460.4, NM_001129827.2, NM_001129832.2); c.3709-216G>A (NM_001129844.2).
Identifiers: ClinVar variation 672394 (VCV000672394.5), dbSNP rs117621166, ClinGen allele CA231612582.
Genomic context (GRCh38, chr12:2,611,687, plus strand): 5'-TTCCCAAGCTCTCTTGAGTGCCAGAGTCTCCATAAAGTTGTCACGGCCAACCAGGGAAAT[G>A]AACACAGATGTGTTCAGAGATGGCAGAGCAGGGAAGATCTTGGAGGTTCTCCTGAGTCCT-3'